The following is an entry in ClinVar:

ClinVar aggregate classification (germline): Benign. Review status: criteria provided, multiple submitters, no conflicts (2 of 4 stars). 4 submissions from 4 submitters: Benign (4). Last evaluated 2024-07-15.

Allele frequency attached by ClinVar (database versions not stated): TOPMed 0.47470; ESP Exome Variant Server 0.47667; gnomAD 0.48206 and 0.48612; 1000 Genomes Project 30x 0.48969; 1000 Genomes Project 0.49800; gnomAD exomes 0.52430 and 0.52893; ExAC 0.52482.
gnomAD v4.1: 778,152 of 1,484,396 alleles (52%); highest among the groups gnomAD compares: East Asian, 55%; 206,796 homozygotes.

Submissions (4):

Unidad de Genómica Garrahan, Hospital de Pediatría Garrahan
Classification: Benign. Last evaluated: 2024-07-15. Review status: criteria provided, single submitter. Criteria: ACMG Guidelines, 2015. Collection method: clinical testing. Allele origin: germline. Affected: no. Observed: 68 variant alleles.
Comment: This variant is classified as Benign based on local population frequency. This variant was detected in 73% of patients studied in a panel designed for Epileptic and Developmental Encephalopathy and Progressive Myoclonus Epilepsy. Number of patients: 68. Only high quality variants are reported.

GeneDx
Classification: Benign. Last evaluated: 2018-06-14. Review status: criteria provided, single submitter. Criteria: GeneDx Variant Classification (06012015). Collection method: clinical testing. Allele origin: germline. Affected: yes.
Comment: This variant is considered likely benign or benign based on one or more of the following criteria: it is a conservative change, it occurs at a poorly conserved position in the protein, it is predicted to be benign by multiple in silico algorithms, and/or has population frequency not consistent with disease.

Women's Health and Genetics/Laboratory Corporation of America, LabCorp
Classification: Benign. Last evaluated: 2016-05-05. Review status: criteria provided, single submitter. Criteria: LabCorp Variant Classification Summary - May 2015. Collection method: clinical testing. Allele origin: germline.
Comment: Variant summary: The SCN1A c.1028+21T>C variant affects a non-conserved intronic nucleotide. Mutation taster predicts a benign outcome for this variant. This variant was found in 62812/119682 control chromosomes (16581 homozygotes) at a frequency of 0.5248241, which greatly exceeds the maximal expected frequency of a pathogenic SCN1A allele (0.0000179), suggesting this variant is benign. Moreover, the variant was found in an internal sample to co-occur with a pathogenic truncating SCN1A variant, further supporting neutrality. Additionally, several independent peer reviewed publications classified the variant as a polymorphism. Taken together, this variant was classified as Benign.

Breakthrough Genomics
Classification: Benign. Review status: criteria provided, single submitter. Criteria: ACMG Guidelines, 2015. Collection method: not provided. Allele origin: germline. Inheritance: Autosomal dominant inheritance. Affected: yes.

Literature cited by the submitters: PubMed 21402906 (cited by Women's Health and Genetics/Laboratory Corporation of America, LabCorp); PubMed 23485646 (cited by Women's Health and Genetics/Laboratory Corporation of America, LabCorp).

NM_001165963.4(SCN1A):c.1028+21T>C

Gene: SCN1A (sodium voltage-gated channel alpha subunit 1; minus strand). Cytogenetic location: 2q24.3.
Variant type: single nucleotide variant.
Coding change: c.1028+21T>C on transcript NM_001165963.4 (MANE Select); 21 bases into the intron after coding-DNA position 1028, T replaced by C.
Molecular consequence: intron variant.
Genome position (GRCh38, 1-based): chr2:166,048,865, A>G on the plus strand (T>C on the coding strand, the complement: SCN1A is on the minus strand). VCF-style: chr2-166048865-A-G. GRCh37 (hg19) VCF-style: chr2-166905375-A-G.
Other names: c.1028+21T>C (NM_001353949.2, NM_001353958.2, NM_001353950.2 and 10 more transcripts); c.-1398+21T>C (NM_001353961.2).
Identifiers: ClinVar variation 496114 (VCV000496114.5), dbSNP rs1542484, ClinGen allele CA1943381.